The following is an entry in ClinVar:

NM_014000.3(VCL):c.1375G>A (p.Ala459Thr)

Gene: VCL (vinculin; plus strand). Cytogenetic location: 10q22.2.
Variant type: single nucleotide variant.
Coding change: c.1375G>A on transcript NM_014000.3 (MANE Select); coding-DNA position 1375, G replaced by A.
Protein change: p.Ala459Thr; replaces alanine 459 with threonine.
Molecular consequence: missense variant.
Genome position (GRCh38, 1-based): chr10:74,094,293, G>A. VCF-style: chr10-74094293-G-A. GRCh37 (hg19) VCF-style: chr10-75854051-G-A.
Other names: c.1375G>A, p.Ala459Thr (NM_003373.4); short protein forms A459T.
Identifiers: ClinVar variation 3724451 (VCV003724451.2).

ClinVar aggregate classification (germline): Uncertain significance (1 of 4 stars; one submission).

Conditions:
Dilated cardiomyopathy 1W (CMD1W). Identifiers: Orphanet 154, MedGen C1969639, MONDO:0012667, OMIM 611407.

Submission:

Labcorp Genetics (formerly Invitae), Labcorp
Classification: Uncertain significance for Dilated cardiomyopathy 1W. Last evaluated: 2025-03-31. Review status: criteria provided, single submitter. Criteria: Invitae Variant Classification Sherloc (09022015). Collection method: clinical testing. Allele origin: germline.
Comment: This sequence change replaces alanine, which is neutral and non-polar, with threonine, which is neutral and polar, at codon 459 of the VCL protein (p.Ala459Thr). This variant is not present in population databases (gnomAD no frequency). This variant has not been reported in the literature in individuals affected with VCL-related conditions. An algorithm developed to predict the effect of missense changes on protein structure and function (PolyPhen-2) suggests that this variant is likely to be disruptive. In summary, the available evidence is currently insufficient to determine the role of this variant in disease. Therefore, it has been classified as a Variant of Uncertain Significance.